The following is an entry in ClinVar:

ClinVar aggregate classification (germline): Uncertain significance (1 of 4 stars; one submission).

Submission:

GeneDx
Classification: Uncertain significance. Last evaluated: 2019-04-24. Review status: criteria provided, single submitter. Criteria: GeneDx Variant Classification Process June 2021. Collection method: clinical testing. Allele origin: germline. Affected: yes.
Comment: Not observed in large population cohorts (Lek et al., 2016); In silico analysis, which includes splice predictors and evolutionary conservation, supports a deleterious effect; Has not been previously published as pathogenic or benign to our knowledge

NM_001243133.2(NLRP3):c.2565G>T (p.Leu855=)

Gene: NLRP3 (NLR family pyrin domain containing 3; plus strand). Cytogenetic location: 1q44.
Variant type: single nucleotide variant.
Coding change: c.2565G>T on transcript NM_001243133.2 (MANE Select); coding-DNA position 2565, G replaced by T.
Protein change: p.Leu855=; no amino-acid change (leucine 855 retained).
Molecular consequence: synonymous variant. On other transcripts: intron variant (2).
Genome position (GRCh38, 1-based): chr1:247,436,042, G>T. VCF-style: chr1-247436042-G-T. GRCh37 (hg19) VCF-style: chr1-247599344-G-T.
Other names: c.2565G>T, p.Leu855= (NM_001079821.3); c.2394G>T, p.Leu798= (NM_001127462.3); c.2571G>T, p.Leu857= (NM_004895.5); c.2492+1769G>T (NM_001127461.3); c.2321+1769G>T (NM_183395.3).
Identifiers: ClinVar variation 1305299 (VCV001305299.2), dbSNP rs2103173872, ClinGen allele CA424422741.